The following is an entry in ClinVar:

NM_017534.6(MYH2):c.5743C>T (p.Arg1915Trp)

Genes: MYHAS (myosin heavy chain gene cluster antisense RNA; plus strand), MYH2 (myosin heavy chain 2; minus strand). Cytogenetic location: 17p13.1.
Variant type: single nucleotide variant.
Coding change: c.5743C>T on transcript NM_017534.6 (MANE Select); coding-DNA position 5743, C replaced by T.
Protein change: p.Arg1915Trp; replaces arginine 1915 with tryptophan.
Molecular consequence: missense variant.
Genome position (GRCh38, 1-based): chr17:10,521,363, G>A on the plus strand (C>T on the coding strand, the complement: MYH2 is on the minus strand). VCF-style: chr17-10521363-G-A. GRCh37 (hg19) VCF-style: chr17-10424680-G-A.
Other names: c.5743C>T, p.Arg1915Trp (NM_001100112.2); short protein forms R1915W.
Identifiers: ClinVar variation 843738 (VCV000843738.7), dbSNP rs745584391, ClinGen allele CA8390317.
Genomic context (GRCh38, chr17:10,521,363, plus strand): 5'-TGTGAACCTCCCGGCTCTTCACCCGCAGTTTGTTCACCTGGGACTCAGCAATGTCAGCCC[G>A]TTCCTCGGCCTCCTCCAGCTCATGCTGGAGCTTGCGGAATTTAGCTAGATTGGTGTTGGA-3'
Protein context (NP_060004.3, residues 1905-1925): LQHELEEAEE[Arg1915Trp]ADIAESQVNK

ClinVar aggregate classification (germline): Uncertain significance (1 of 4 stars; one submission).

Conditions:
Myopathy, proximal, and ophthalmoplegia (CMYO6). Also called: INCLUSION BODY MYOPATHY 3, AUTOSOMAL DOMINANT; MYOPATHY WITH CONGENITAL JOINT CONTRACTURES, OPHTHALMOPLEGIA, AND RIMMED VACUOLES; CONGENITAL MYOPATHY 6 WITH OPHTHALMOPLEGIA. Identifiers: Orphanet 363677, Orphanet 79091, MedGen C1854106, MONDO:0011577, OMIM 605637.

Allele frequency attached by ClinVar (database versions not stated): ExAC 0.00002; gnomAD exomes 0.00002 and 0.00004; gnomAD 0.00007 and 0.00008; TOPMed 0.00015.
gnomAD v4.1: 40 of 1,613,984 alleles (0.0025%); highest among the groups gnomAD compares: Admixed American, 0.028%; 1 homozygote.

Submission:

Labcorp Genetics (formerly Invitae), Labcorp
Classification: Uncertain significance for Myopathy, proximal, and ophthalmoplegia. Last evaluated: 2025-12-22. Review status: criteria provided, single submitter. Criteria: Invitae Variant Classification Sherloc (09022015). Collection method: clinical testing. Allele origin: germline.
Comment: This sequence change replaces arginine, which is basic and polar, with tryptophan, which is neutral and slightly polar, at codon 1915 of the MYH2 protein (p.Arg1915Trp). This variant is present in population databases (rs745584391, gnomAD 0.02%). This variant has not been reported in the literature in individuals affected with MYH2-related conditions. ClinVar contains an entry for this variant (Variation ID: 843738). Invitae Evidence Modeling of protein sequence and biophysical properties (such as structural, functional, and spatial information, amino acid conservation, physicochemical variation, residue mobility, and thermodynamic stability) indicates that this missense variant is expected to disrupt MYH2 protein function with a positive predictive value of 80%. In summary, the available evidence is currently insufficient to determine the role of this variant in disease. Therefore, it has been classified as a Variant of Uncertain Significance.